The following is an entry in ClinVar:

NM_177550.5(SLC13A5):c.1033G>T (p.Ala345Ser)

Gene: SLC13A5 (solute carrier family 13 member 5; minus strand). Cytogenetic location: 17p13.1.
Variant type: single nucleotide variant.
Coding change: c.1033G>T on transcript NM_177550.5 (MANE Select); coding-DNA position 1033, G replaced by T.
Protein change: p.Ala345Ser; replaces alanine 345 with serine.
Molecular consequence: missense variant.
Genome position (GRCh38, 1-based): chr17:6,695,748, C>A on the plus strand (G>T on the coding strand, the complement: SLC13A5 is on the minus strand). VCF-style: chr17-6695748-C-A. GRCh37 (hg19) VCF-style: chr17-6599067-C-A.
Other names: c.1033G>T, p.Ala345Ser (NM_001143838.3); c.982G>T, p.Ala328Ser (NM_001284509.2); c.904G>T, p.Ala302Ser (NM_001284510.2); short protein forms A345S, A302S, A328S.
Identifiers: ClinVar variation 1413000 (VCV001413000.6), dbSNP rs776529961, ClinGen allele CA8331553.

ClinVar aggregate classification (germline): Uncertain significance (1 of 4 stars; one submission).

Conditions:
Developmental and epileptic encephalopathy, 25 (DEE25). Also called: Developmental and epileptic encephalopathy 25, with amelogenesis imperfecta; Epileptic encephalopathy, early infantile, 25, with amelogenesis imperfecta; Epileptic encephalopathy, early infantile, 25. Identifiers: Orphanet 442835, MedGen C4014621, MONDO:0014392, OMIM 615905.

Allele frequency attached by ClinVar (database versions not stated): gnomAD exomes 0.00001; ExAC 0.00001.
gnomAD v4.1: 51 of 1,614,130 alleles (0.0032%); highest among the groups gnomAD compares: Non-Finnish European, 0.0042%; no homozygotes.

Submission:

Labcorp Genetics (formerly Invitae), Labcorp
Classification: Uncertain significance for Developmental and epileptic encephalopathy, 25. Last evaluated: 2023-02-14. Review status: criteria provided, single submitter. Criteria: Invitae Variant Classification Sherloc (09022015). Collection method: clinical testing. Allele origin: germline.
Comment: This sequence change replaces alanine, which is neutral and non-polar, with serine, which is neutral and polar, at codon 345 of the SLC13A5 protein (p.Ala345Ser). This variant is present in population databases (rs776529961, gnomAD 0.004%). This variant has not been reported in the literature in individuals affected with SLC13A5-related conditions. ClinVar contains an entry for this variant (Variation ID: 1413000). Advanced modeling of protein sequence and biophysical properties (such as structural, functional, and spatial information, amino acid conservation, physicochemical variation, residue mobility, and thermodynamic stability) performed at Invitae indicates that this missense variant is not expected to disrupt SLC13A5 protein function. In summary, the available evidence is currently insufficient to determine the role of this variant in disease. Therefore, it has been classified as a Variant of Uncertain Significance.